The following is an entry in ClinVar:

NM_001128225.3(SLC39A13):c.392C>T (p.Ala131Val)

Gene: SLC39A13 (solute carrier family 39 member 13; plus strand). Cytogenetic location: 11p11.2.
Variant type: single nucleotide variant.
Coding change: c.392C>T on transcript NM_001128225.3 (MANE Select); coding-DNA position 392, C replaced by T.
Protein change: p.Ala131Val; replaces alanine 131 with valine.
Molecular consequence: missense variant. On other transcripts: non-coding transcript variant (1).
Genome position (GRCh38, 1-based): chr11:47,412,016, C>T. VCF-style: chr11-47412016-C-T. GRCh37 (hg19) VCF-style: chr11-47433567-C-T.
Other names: c.392C>T, p.Ala131Val (NM_001330245.2, NM_152264.5); short protein forms A131V.
Identifiers: ClinVar variation 1064330 (VCV001064330.6), dbSNP rs370161381, ClinGen allele CA5975751.

ClinVar aggregate classification (germline): Uncertain significance. Review status: criteria provided, multiple submitters, no conflicts (2 of 4 stars). 2 submissions from 2 submitters: Uncertain significance (2). Last evaluated 2021-09-01.

Conditions:
Ehlers-Danlos syndrome, spondylodysplastic type, 3. Also called: Ehlers-Danlos syndrome, spondylocheirodysplastic type. Identifiers: Orphanet 157965, MedGen C2676510, MONDO:0012873, OMIM 612350.

Allele frequency attached by ClinVar (database versions not stated): gnomAD exomes below 0.00001 and 0.00001; TOPMed below 0.00001; ExAC 0.00001; gnomAD 0.00001; ESP Exome Variant Server 0.00008.
gnomAD v4.1: 11 of 1,612,310 alleles (0.00068%); highest among the groups gnomAD compares: Non-Finnish European, 0.00085%; no homozygotes.

Submissions (2):

Labcorp Genetics (formerly Invitae), Labcorp
Classification: Uncertain significance for Ehlers-Danlos syndrome, spondylodysplastic type, 3. Last evaluated: 2021-09-01. Review status: criteria provided, single submitter. Criteria: Invitae Variant Classification Sherloc (09022015). Collection method: clinical testing. Allele origin: germline.

GeneDx
Classification: Uncertain significance. Last evaluated: 2019-04-22. Review status: criteria provided, single submitter. Criteria: GeneDx Variant Classification Process June 2021. Collection method: clinical testing. Allele origin: germline. Affected: yes.
Comment: Not observed at a significant frequency in large population cohorts (Lek et al., 2016); In silico analysis, which includes protein predictors and evolutionary conservation, supports that this variant does not alter protein structure/function; Has not been previously published as pathogenic or benign to our knowledge